The following is an entry in ClinVar:

NM_001283009.2(RTEL1):c.3772C>A (p.Pro1258Thr)

Genes: RTEL1 (regulator of telomere elongation helicase 1; plus strand), RTEL1-TNFRSF6B (RTEL1-TNFRSF6B readthrough (NMD candidate); plus strand). Cytogenetic location: 20q13.33.
Variant type: single nucleotide variant.
Coding change: c.3772C>A on transcript NM_001283009.2 (MANE Select); coding-DNA position 3772, C replaced by A.
Protein change: p.Pro1258Thr; replaces proline 1258 with threonine.
Molecular consequence: missense variant. On other transcripts: non-coding transcript variant (1), intron variant (3).
Genome position (GRCh38, 1-based): chr20:63,695,600, C>A. VCF-style: chr20-63695600-C-A. GRCh37 (hg19) VCF-style: chr20-62326953-C-A.
Other names: c.2983+120C>A (NM_001283010.1); c.3724+120C>A (NM_032957.5); c.3652+120C>A (NM_016434.4); short protein forms P1258T.
Identifiers: ClinVar variation 3948410 (VCV003948410.1).
Genomic context (GRCh38, chr20:63,695,600, plus strand): 5'-CTCTCAGCAGGCTGTGTGTGCCAGGGCTGTGGGGCAGAGGACGTGGTGCCCTTCCAGTGC[C>A]CTGCCTGTGACTTCCAGCGCTGCCAAGCCTGCTGGCAACGGCACCTTCAGGTTGGTGCCT-3'
Protein context (NP_001269938.1, residues 1248-1268): GAEDVVPFQC[Pro1258Thr]ACDFQRCQAC

ClinVar aggregate classification (germline): Uncertain significance (1 of 4 stars; one submission).

Conditions:
Inborn genetic diseases. Identifiers: MedGen C0950123, MeSH D030342.

gnomAD v4.1: 5 of 1,612,016 alleles (0.00031%); highest among the groups gnomAD compares: Non-Finnish European, 0.00042%; no homozygotes.

Submission:

Ambry Genetics
Classification: Uncertain significance for Inborn genetic diseases. Last evaluated: 2025-05-23. Review status: criteria provided, single submitter. Criteria: Ambry Variant Classification Scheme 2023. Collection method: clinical testing. Allele origin: germline.
Comment: The p.P1258T variant (also known as c.3772C>A), located in coding exon 33 of the RTEL1 gene, results from a C to A substitution at nucleotide position 3772. The proline at codon 1258 is replaced by threonine, an amino acid with highly similar properties. This amino acid position is conserved. In addition, this alteration is predicted to be tolerated by in silico analysis. Based on the available evidence, the clinical significance of this variant remains unclear.